The following is an entry in ClinVar:

ClinVar aggregate classification (germline): Uncertain significance. Review status: criteria provided, multiple submitters, no conflicts (2 of 4 stars). 2 submissions from 2 submitters: Uncertain significance (2). Last evaluated 2026-04-21.

Conditions:
Cardiovascular phenotype. Identifiers: MedGen CN230736.

Allele frequency attached by ClinVar (database versions not stated): gnomAD 0.00001.
gnomAD v4.1: 4 of 1,613,318 alleles (0.00025%); highest among the groups gnomAD compares: African/African-American, 0.004%; no homozygotes.

Submissions (2):

Ambry Genetics
Classification: Uncertain significance for Cardiovascular phenotype. Last evaluated: 2026-04-21. Review status: criteria provided, single submitter. Criteria: Ambry Variant Classification Scheme 2023. Collection method: clinical testing. Allele origin: germline.
Comment: The p.P190L variant (also known as c.569C>T), located in coding exon 4 of the TBX20 gene, results from a C to T substitution at nucleotide position 569. The proline at codon 190 is replaced by leucine, an amino acid with similar properties. This amino acid position is highly conserved in available vertebrate species. In addition, this alteration is predicted to be deleterious by in silico analysis. Based on the available evidence, the clinical significance of this variant remains unclear.

Labcorp Genetics (formerly Invitae), Labcorp
Classification: Uncertain significance. Last evaluated: 2025-10-01. Review status: criteria provided, single submitter. Criteria: Invitae Variant Classification Sherloc (09022015). Collection method: clinical testing. Allele origin: germline.
Comment: This sequence change replaces proline, which is neutral and non-polar, with leucine, which is neutral and non-polar, at codon 190 of the TBX20 protein (p.Pro190Leu). This variant is present in population databases (no rsID available, gnomAD 0.02%). This variant has not been reported in the literature in individuals affected with TBX20-related conditions. ClinVar contains an entry for this variant (Variation ID: 3021022). Invitae Evidence Modeling of protein sequence and biophysical properties (such as structural, functional, and spatial information, amino acid conservation, physicochemical variation, residue mobility, and thermodynamic stability) indicates that this missense variant is expected to disrupt TBX20 protein function with a positive predictive value of 80%. In summary, the available evidence is currently insufficient to determine the role of this variant in disease. Therefore, it has been classified as a Variant of Uncertain Significance.

NM_001077653.2(TBX20):c.569C>T (p.Pro190Leu)

Gene: TBX20 (T-box transcription factor 20; minus strand). Cytogenetic location: 7p14.2.
Variant type: single nucleotide variant.
Coding change: c.569C>T on transcript NM_001077653.2 (MANE Select); coding-DNA position 569, C replaced by T.
Protein change: p.Pro190Leu; replaces proline 190 with leucine.
Molecular consequence: missense variant.
Genome position (GRCh38, 1-based): chr7:35,245,034, G>A on the plus strand (C>T on the coding strand, the complement: TBX20 is on the minus strand). VCF-style: chr7-35245034-G-A. GRCh37 (hg19) VCF-style: chr7-35284646-G-A.
Other names: c.569C>T, p.Pro190Leu (NM_001166220.1); short protein forms P190L.
Identifiers: ClinVar variation 3021022 (VCV003021022.4), dbSNP rs1304347935, ClinGen allele CA367264450.
Genomic context (GRCh38, chr7:35,245,034, plus strand): 5'-TTGGTGAGTTTCACCTTTTCAAAAGACACCATCTGTTTGAGTAGTTGCTCACCGGTAAAA[G>A]GAGAATCTGGATGCACATAGAGCCTAAGAAAATTAGGAGAAAACTTTATTGAGACTTCTT-3'
Protein context (NP_001071121.1, residues 180-200): PARLYVHPDS[Pro190Leu]FTGEQLLKQM